The following is an entry in ClinVar:

ClinVar aggregate classification (germline): Conflicting classifications of pathogenicity. Review status: criteria provided, conflicting classifications (1 of 4 stars). 3 submissions from 3 submitters: Uncertain significance (2); Likely benign (1). Last evaluated 2025-05-08.

Conditions:
Hereditary cancer-predisposing syndrome. Also called: Hereditary neoplastic syndrome; Neoplastic Syndromes, Hereditary; Tumor predisposition; Hereditary Cancer Syndrome. Identifiers: Orphanet 140162, MedGen C0027672, MeSH D009386, MONDO:0015356.
Hereditary breast ovarian cancer syndrome. Also called: Hereditary breast and ovarian cancer syndrome (HBOC); Breast and ovarian cancer; Hereditary breast and/or ovarian cancer syndrome; BRCA1- and BRCA2-Associated Hereditary Breast and Ovarian Cancer; Hereditary breast and ovarian cancer syndrome; Hereditary breast and ovarian cancer. Identifiers: Orphanet 145, MedGen C0677776, MeSH D061325, MONDO:0003582. Disease mechanism: loss of function.
Familial cancer of breast. Also called: BREAST CANCER, FAMILIAL; Hereditary breast cancer; hereditary breast carcinoma. Identifiers: Orphanet 227535, MedGen C0346153, MONDO:0016419, OMIM 114480. Disease mechanism: loss of function.

Allele frequency attached by ClinVar (database versions not stated): ESP Exome Variant Server 0.00008.

Submissions (3):

Ambry Genetics
Classification: Likely benign for Hereditary cancer-predisposing syndrome. Last evaluated: 2025-05-08. Review status: criteria provided, single submitter. Criteria: Ambry Variant Classification Scheme 2023. Collection method: clinical testing. Allele origin: germline.

Baylor Genetics
Classification: Uncertain significance for Familial cancer of breast. Last evaluated: 2023-05-26. Review status: criteria provided, single submitter. Criteria: ACMG Guidelines, 2015. Collection method: clinical testing. Allele origin: unknown.

Labcorp Genetics (formerly Invitae), Labcorp
Classification: Uncertain significance for Hereditary breast ovarian cancer syndrome. Last evaluated: 2020-06-30. Review status: criteria provided, single submitter. Criteria: Invitae Variant Classification Sherloc (09022015). Collection method: clinical testing. Allele origin: germline.
Comment: Algorithms developed to predict the effect of missense changes on protein structure and function are either unavailable or do not agree on the potential impact of this missense change (SIFT: "Deleterious"; PolyPhen-2: "Probably Damaging"; Align-GVGD: "Class C0"). This variant has not been reported in the literature in individuals with BRCA2-related conditions. ClinVar contains an entry for this variant (Variation ID: 185163). This variant is not present in population databases (ExAC no frequency). This sequence change replaces serine with proline at codon 2773 of the BRCA2 protein (p.Ser2773Pro). The serine residue is highly conserved and there is a moderate physicochemical difference between serine and proline. In summary, the available evidence is currently insufficient to determine the role of this variant in disease. Therefore, it has been classified as a Variant of Uncertain Significance.

NM_000059.4(BRCA2):c.8317T>C (p.Ser2773Pro)

Gene: BRCA2 (BRCA2 DNA repair associated; plus strand). Cytogenetic location: 13q13.1.
Variant type: single nucleotide variant.
Coding change: c.8317T>C on transcript NM_000059.4 (MANE Select); coding-DNA position 8317, T replaced by C.
Protein change: p.Ser2773Pro; replaces serine 2773 with proline.
Molecular consequence: missense variant.
Genome position (GRCh38, 1-based): chr13:32,363,519, T>C. VCF-style: chr13-32363519-T-C. GRCh37 (hg19) VCF-style: chr13-32937656-T-C.
Other names: short protein forms S2773P.
Identifiers: ClinVar variation 185163 (VCV000185163.16), dbSNP rs143761565, ClinGen allele CA025567.